The following is an entry in ClinVar:

NM_001085411.3(NADK2):c.410G>A (p.Arg137His)

Gene: NADK2 (NAD kinase 2, mitochondrial; minus strand). Cytogenetic location: 5p13.2.
Variant type: single nucleotide variant.
Coding change: c.410G>A on transcript NM_001085411.3 (MANE Select); coding-DNA position 410, G replaced by A.
Protein change: p.Arg137His; replaces arginine 137 with histidine.
Molecular consequence: missense variant. On other transcripts: 5 prime UTR variant (3).
Genome position (GRCh38, 1-based): chr5:36,226,543, C>T on the plus strand (G>A on the coding strand, the complement: NADK2 is on the minus strand). VCF-style: chr5-36226543-C-T. GRCh37 (hg19) VCF-style: chr5-36226645-C-T.
Other names: c.-80G>A (NM_001287340.2, NM_001287341.2, NM_153013.5); c.410G>A (NM_001085411.1); short protein forms R137H.
Identifiers: ClinVar variation 2148516 (VCV002148516.5), dbSNP rs201353448, ClinGen allele CA3234740.

ClinVar aggregate classification (germline): Uncertain significance. Review status: criteria provided, multiple submitters, no conflicts (2 of 4 stars). 2 submissions from 2 submitters: Uncertain significance (2). Last evaluated 2024-11-18.

Conditions:
Inborn genetic diseases. Identifiers: MedGen C0950123, MeSH D030342.
Progressive encephalopathy with leukodystrophy due to DECR deficiency. Identifiers: Orphanet 431361, MedGen C1857252, MONDO:0014464, OMIM 616034.

Allele frequency attached by ClinVar (database versions not stated): gnomAD exomes 0.00003; ExAC 0.00004; gnomAD 0.00005; ESP Exome Variant Server 0.00008; TOPMed 0.00008; 1000 Genomes Project 0.00020; 1000 Genomes Project 30x 0.00031.
gnomAD v4.1: 52 of 1,612,494 alleles (0.0032%); highest among the groups gnomAD compares: African/African-American, 0.023%; 1 homozygote.

Submissions (2):

Labcorp Genetics (formerly Invitae), Labcorp
Classification: Uncertain significance for Progressive encephalopathy with leukodystrophy due to DECR deficiency. Last evaluated: 2024-11-18. Review status: criteria provided, single submitter. Criteria: Invitae Variant Classification Sherloc (09022015). Collection method: clinical testing. Allele origin: germline.
Comment: This sequence change replaces arginine, which is basic and polar, with histidine, which is basic and polar, at codon 137 of the NADK2 protein (p.Arg137His). This variant is present in population databases (rs201353448, gnomAD 0.02%). This variant has not been reported in the literature in individuals affected with NADK2-related conditions. ClinVar contains an entry for this variant (Variation ID: 2148516). Invitae Evidence Modeling of protein sequence and biophysical properties (such as structural, functional, and spatial information, amino acid conservation, physicochemical variation, residue mobility, and thermodynamic stability) indicates that this missense variant is not expected to disrupt NADK2 protein function with a negative predictive value of 80%. In summary, the available evidence is currently insufficient to determine the role of this variant in disease. Therefore, it has been classified as a Variant of Uncertain Significance.

Ambry Genetics
Classification: Uncertain significance for Inborn genetic diseases. Last evaluated: 2024-08-04. Review status: criteria provided, single submitter. Criteria: Ambry Variant Classification Scheme 2023. Collection method: clinical testing. Allele origin: germline.